The following is an entry in ClinVar:

NM_001453.3(FOXC1):c.772G>T (p.Glu258Ter)

Gene: FOXC1 (forkhead box C1; plus strand). Cytogenetic location: 6p25.3.
Variant type: single nucleotide variant.
Coding change: c.772G>T on transcript NM_001453.3 (MANE Select); coding-DNA position 772, G replaced by T.
Protein change: p.Glu258Ter; replaces glutamic acid 258 with a stop codon.
Molecular consequence: nonsense.
Genome position (GRCh38, 1-based): chr6:1,611,217, G>T. VCF-style: chr6-1611217-G-T. GRCh37 (hg19) VCF-style: chr6-1611452-G-T.
Other names: short protein forms E258*.
Identifiers: ClinVar variation 450920 (VCV000450920.8), dbSNP rs1554101000, ClinGen allele CA362559535.

ClinVar aggregate classification (germline): Pathogenic/Likely pathogenic. Review status: criteria provided, multiple submitters, no conflicts (2 of 4 stars). 2 submissions from 2 submitters: Pathogenic (1); Likely pathogenic (1). Last evaluated 2026-08-09.

Conditions:
Axenfeld-Rieger syndrome type 3 (RIEG3). Also called: AXENFELD-RIEGER ANOMALY WITH CARDIAC DEFECTS AND/OR SENSORINEURAL HEARING LOSS. Identifiers: Orphanet 782, MedGen C2678503, MONDO:0011233, OMIM 602482.

Submissions (2):

GeneDx
Classification: Likely pathogenic. Last evaluated: 2026-08-09. Review status: criteria provided, single submitter. Criteria: GeneDx Variant Classification Process June 2021. Collection method: clinical testing. Allele origin: germline.
Comment: Nonsense variant predicted to result in protein truncation, as the last 296 amino acid(s) are lost, and other loss-of-function variants have been reported downstream in HGMD; Not observed at significant frequency in large population cohorts (gnomAD); Has not been previously published as pathogenic or benign to our knowledge

Labcorp Genetics (formerly Invitae), Labcorp
Classification: Pathogenic for Axenfeld-Rieger syndrome type 3. Last evaluated: 2025-03-20. Review status: criteria provided, single submitter. Criteria: Invitae Variant Classification Sherloc (09022015). Collection method: clinical testing. Allele origin: germline.
Comment: This sequence change creates a premature translational stop signal (p.Glu258*) in the FOXC1 gene. While this is not anticipated to result in nonsense mediated decay, it is expected to disrupt the last 296 amino acid(s) of the FOXC1 protein. This variant is not present in population databases (gnomAD no frequency). This variant has not been reported in the literature in individuals affected with FOXC1-related conditions. ClinVar contains an entry for this variant (Variation ID: 450920). This variant disrupts a region of the FOXC1 protein in which other variant(s) (p.Gln467*) have been determined to be pathogenic (PMID: 32499604; internal data). This suggests that this is a clinically significant region of the protein, and that variants that disrupt it are likely to be disease-causing. For these reasons, this variant has been classified as Pathogenic.

Literature cited by the submitters: PubMed 32499604 (cited by Labcorp Genetics (formerly Invitae), Labcorp).